The following is an entry in ClinVar:

ClinVar aggregate classification (germline): Uncertain significance (1 of 4 stars; one submission).

Conditions:
Inborn genetic diseases. Identifiers: MedGen C0950123, MeSH D030342.

Submission:

Ambry Genetics
Classification: Uncertain significance for Inborn genetic diseases. Last evaluated: 2024-12-09. Review status: criteria provided, single submitter. Criteria: Ambry Variant Classification Scheme 2023. Collection method: clinical testing. Allele origin: germline.
Comment: The p.E790Q variant (also known as c.2368G>C), located in coding exon 13 of the ASXL1 gene, results from a G to C substitution at nucleotide position 2368. The glutamic acid at codon 790 is replaced by glutamine, an amino acid with highly similar properties. This amino acid position is conserved. In addition, this alteration is predicted to be tolerated by in silico analysis. Based on the available evidence, the clinical significance of this variant remains unclear.

NM_015338.6(ASXL1):c.2368G>C (p.Glu790Gln)

Gene: ASXL1 (ASXL transcriptional regulator 1; plus strand). Cytogenetic location: 20q11.21.
Variant type: single nucleotide variant.
Coding change: c.2368G>C on transcript NM_015338.6 (MANE Select); coding-DNA position 2368, G replaced by C.
Protein change: p.Glu790Gln; replaces glutamic acid 790 with glutamine.
Molecular consequence: missense variant.
Genome position (GRCh38, 1-based): chr20:32,435,080, G>C. VCF-style: chr20-32435080-G-C. GRCh37 (hg19) VCF-style: chr20-31022883-G-C.
Other names: c.2185G>C, p.Glu729Gln (NM_001363734.1); short protein forms E729Q, E790Q.
Identifiers: ClinVar variation 3439912 (VCV003439912.1).